The following is an entry in ClinVar:

NM_000219.6(KCNE1):c.53A>G (p.Gln18Arg)

Gene: KCNE1 (potassium voltage-gated channel subfamily E regulatory subunit 1; minus strand). Cytogenetic location: 21q22.12.
Variant type: single nucleotide variant.
Coding change: c.53A>G on transcript NM_000219.6 (MANE Select); coding-DNA position 53, A replaced by G.
Protein change: p.Gln18Arg; replaces glutamine 18 with arginine.
Molecular consequence: missense variant.
Genome position (GRCh38, 1-based): chr21:34,449,582, T>C on the plus strand (A>G on the coding strand, the complement: KCNE1 is on the minus strand). VCF-style: chr21-34449582-T-C. GRCh37 (hg19) VCF-style: chr21-35821880-T-C.
Other names: c.53A>G, p.Gln18Arg (NM_001127668.4, NM_001127669.4, NM_001127670.4 and 4 more transcripts); short protein forms Q18R.
Identifiers: ClinVar variation 3373917 (VCV003373917.2).
Genomic context (GRCh38, chr21:34,449,582, plus strand): 5'-CTGCTGCGGGGGGACCTGCGGGCCAGGCCCGACATGTTGCCACCCTGCTGAACTGTCTCC[T>C]GCCACAGCTTGGTCAGAAAGGGCGTCACCGCTGTGGTGTTAGACAGGATCATCCTGGGCA-3'
Protein context (NP_000210.2, residues 8-28): AVTPFLTKLW[Gln18Arg]ETVQQGGNMS

Conditions:
Long QT syndrome 5 (LQT5). Identifiers: Orphanet 101016, Orphanet 768, MedGen C1867904, MONDO:0013372, OMIM 613695.

Submission:

Roden Lab, Vanderbilt University Medical Center
No classification provided (evidence only). Condition: Long QT syndrome 5. Review status: no classification provided. Collection method: in vitro. Allele origin: not applicable. Functional consequence: Effect on ion channel function.
ClinVar note: "not provided" was previously submitted as the classification for the variant. However, the classification appeared to be based only on an observation of functional data so it was converted to no classification on 2025-07-30.